The following is an entry in ClinVar:

NM_001365536.1(SCN9A):c.5899G>T (p.Glu1967Ter)

Genes: SCN1A-AS1 (SCN1A and SCN9A antisense RNA 1; plus strand), SCN9A (sodium voltage-gated channel alpha subunit 9; minus strand). Cytogenetic location: 2q24.3.
Variant type: single nucleotide variant.
Coding change: c.5899G>T on transcript NM_001365536.1 (MANE Select); coding-DNA position 5899, G replaced by T.
Protein change: p.Glu1967Ter; replaces glutamic acid 1967 with a stop codon.
Molecular consequence: nonsense.
Genome position (GRCh38, 1-based): chr2:166,198,740, C>A on the plus strand (G>T on the coding strand, the complement: SCN9A is on the minus strand). VCF-style: chr2-166198740-C-A. GRCh37 (hg19) VCF-style: chr2-167055250-C-A.
Other names: c.5866G>T, p.Glu1956Ter (NM_002977.4); short protein forms E1956*, E1967*.
Identifiers: ClinVar variation 1063607 (VCV001063607.7), dbSNP rs1553472700, ClinGen allele CA349051156.
Genomic context (GRCh38, chr2:166,198,740, plus strand): 5'-TGCTTTCCTTGCTGTCTTTCCCTTTGTCTTCCTTTTCTGTTCTGTCTTGTTCATATTTCT[C>A]TTTGTCTGGCTTTGTTACACTATCATATGAAGGTGGAGAGGTGGTGGATGAAGTGGCATC-3'

ClinVar aggregate classification (germline): Uncertain significance (1 of 4 stars; one submission).

Conditions:
Generalized epilepsy with febrile seizures plus, type 7 (GEFSP7). Also called: GEFS+, TYPE 7. Identifiers: Orphanet 36387, MedGen C2751778, MONDO:0013470, OMIM 613863.
Neuropathy, hereditary sensory and autonomic, type 2A (HSAN2A). Also called: ACROOSTEOLYSIS, GIACCAI TYPE; ACROOSTEOLYSIS, NEUROGENIC; WNK1-Related HSAN2 (HSAN2A); HSAN IIA; MORVAN DISEASE; NEUROPATHY, CONGENITAL SENSORY. Identifiers: Orphanet 970, MedGen C2752089, MONDO:0024309, OMIM 201300.

Submission:

Labcorp Genetics (formerly Invitae), Labcorp
Classification: Uncertain significance for Neuropathy, hereditary sensory and autonomic, type 2A; Generalized epilepsy with febrile seizures plus, type 7. Last evaluated: 2023-08-16. Review status: criteria provided, single submitter. Criteria: Invitae Variant Classification Sherloc (09022015). Collection method: clinical testing. Allele origin: germline.
Comment: Experimental studies and prediction algorithms are not available or were not evaluated, and the functional significance of this variant is currently unknown. ClinVar contains an entry for this variant (Variation ID: 1063607). This variant has not been reported in the literature in individuals affected with SCN9A-related conditions. This variant is not present in population databases (gnomAD no frequency). This sequence change creates a premature translational stop signal (p.Glu1956*) in the SCN9A gene. While this is not anticipated to result in nonsense mediated decay, it is expected to disrupt the last 22 amino acid(s) of the SCN9A protein. In summary, the available evidence is currently insufficient to determine the role of this variant in disease. Therefore, it has been classified as a Variant of Uncertain Significance.